The following is an entry in ClinVar:

ClinVar aggregate classification (germline): Uncertain significance. Review status: criteria provided, multiple submitters, no conflicts (2 of 4 stars). 2 submissions from 2 submitters: Uncertain significance (2). Last evaluated 2026-06-01.

Conditions:
Inborn genetic diseases. Identifiers: MedGen C0950123, MeSH D030342.
Developmental and epileptic encephalopathy, 12 (DEE12). Identifiers: MedGen C3150988, MONDO:0013389, OMIM 613722.

Submissions (2):

Ambry Genetics
Classification: Uncertain significance for Inborn genetic diseases. Last evaluated: 2026-06-01. Review status: criteria provided, single submitter. Criteria: Ambry Variant Classification Scheme 2023. Collection method: clinical testing. Allele origin: germline.

Labcorp Genetics (formerly Invitae), Labcorp
Classification: Uncertain significance for Developmental and epileptic encephalopathy, 12. Last evaluated: 2022-10-13. Review status: criteria provided, single submitter. Criteria: Invitae Variant Classification Sherloc (09022015). Collection method: clinical testing. Allele origin: germline.
Comment: This variant is not present in population databases (gnomAD no frequency). This sequence change replaces serine, which is neutral and polar, with arginine, which is basic and polar, at codon 67 of the PLCB1 protein (p.Ser67Arg). This variant has not been reported in the literature in individuals affected with PLCB1-related conditions. In summary, the available evidence is currently insufficient to determine the role of this variant in disease. Therefore, it has been classified as a Variant of Uncertain Significance. Algorithms developed to predict the effect of missense changes on protein structure and function (SIFT, PolyPhen-2, Align-GVGD) all suggest that this variant is likely to be tolerated. ClinVar contains an entry for this variant (Variation ID: 837498).

NM_015192.4(PLCB1):c.199A>C (p.Ser67Arg)

Gene: PLCB1 (phospholipase C beta 1; plus strand). Cytogenetic location: 20p12.3.
Variant type: single nucleotide variant.
Coding change: c.199A>C on transcript NM_015192.4 (MANE Select); coding-DNA position 199, A replaced by C.
Protein change: p.Ser67Arg; replaces serine 67 with arginine.
Molecular consequence: missense variant.
Genome position (GRCh38, 1-based): chr20:8,371,403, A>C. VCF-style: chr20-8371403-A-C. GRCh37 (hg19) VCF-style: chr20-8352050-A-C.
Other names: c.199A>C (NM_015192.2); c.199A>C, p.Ser67Arg (NM_182734.3); short protein forms S67R.
Identifiers: ClinVar variation 837498 (VCV000837498.9), dbSNP rs1986899325, ClinGen allele CA408262248.